The following is an entry in ClinVar:

ClinVar aggregate classification (germline): Likely pathogenic (1 of 4 stars; one submission).

Conditions:
Hereditary breast ovarian cancer syndrome. Also called: Hereditary breast and ovarian cancer syndrome; Hereditary breast and ovarian cancer; Hereditary breast and ovarian cancer syndrome (HBOC); Breast and ovarian cancer; Hereditary breast and/or ovarian cancer syndrome; BRCA1- and BRCA2-Associated Hereditary Breast and Ovarian Cancer. Identifiers: Orphanet 145, MedGen C0677776, MeSH D061325, MONDO:0003582. Disease mechanism: loss of function.

Allele frequency attached by ClinVar (database versions not stated): gnomAD exomes below 0.00001.

Submission:

Laboratory for Molecular Medicine, Mass General Brigham Personalized Medicine
Classification: Likely pathogenic for Hereditary breast ovarian cancer syndrome. Last evaluated: 2019-10-14. Review status: criteria provided, single submitter. Criteria: ACMG Guidelines, 2015. Collection method: clinical testing. Allele origin: germline.
Comment: The p.His1488GlnfsX4 variant in BRCA2 has not been previously reported in individuals with hereditary breast and/or ovarian cancer (HBOC) and was absent from large population studies. This variant is predicted to cause a frameshift, which alters the protein’s amino acid sequence beginning at position 1488 and leads to a premature termination codon 4 amino acids downstream. This alteration is then predicted to lead to a truncated or absent protein. Loss of function of the BRCA2 gene is an established disease mechanism in autosomal dominant HBOC. In summary, although additional studies are required to fully establish its clinical significance, this variant meets criteria to be classified as likely pathogenic for autosomal dominant HBOC. ACMG/AMP Criteria applied: PVS1, PM2.

NM_000059.4(BRCA2):c.4464del (p.His1488fs)

Gene: BRCA2 (BRCA2 DNA repair associated; plus strand). Cytogenetic location: 13q13.1.
Variant type: Deletion.
Coding change: c.4464del on transcript NM_000059.4 (MANE Select); coding-DNA position 4464, one base deleted (C; older notation c.4464delC).
Protein change: p.His1488fs; shifts the reading frame from histidine 1488.
Molecular consequence: frameshift variant. On other transcripts: non-coding transcript variant (1), intron variant (2).
Genome position (GRCh38, 1-based): chr13:32,338,819, C deleted. VCF-style (leftmost placement, unchanged base first): chr13-32338818-AC-A. GRCh37 (hg19) VCF-style: chr13-32912955-AC-A.
Other names: c.4464del, p.His1488fs (NM_001406719.1, NM_001406720.1); c.1909+5432del (NM_001406721.1); c.425-5739del (NM_001406722.1); short protein forms H1488fs.
Identifiers: ClinVar variation 3075784 (VCV003075784.1), dbSNP rs2548528442, ClinGen allele CA2622601026.
Genomic context (GRCh38, chr13:32,338,818, plus strand): 5'-CTGACATAAGAAAGAACAAAATGGACATTCTAAGTTATGAGGAAACAGACATAGTTAAAC[AC>A]AAAATACTGAAAGAAAGTGTCCCAGTTGGTACTGGAAATCAACTAGTGACCTTCCAGGGA-3'